The following is an entry in ClinVar:

ClinVar aggregate classification (germline): Benign/Likely benign. Review status: criteria provided, multiple submitters, no conflicts (2 of 4 stars). 4 submissions from 4 submitters: Benign (1); Likely benign (3). Last evaluated 2026-04-22.

Conditions:
Colorectal cancer, susceptibility to, 1. Also called: COLORECTAL ADENOMA AND CANCER, SUSCEPTIBILITY TO; COLORECTAL CANCER, SUSCEPTIBILITY TO, ON CHROMOSOME 9. Identifiers: MedGen C1837315, MONDO:0012132, OMIM 608812.

gnomAD v4.1: 4 of 1,180,352 alleles (0.00034%); highest among the groups gnomAD compares: Non-Finnish European, 0.00042%; no homozygotes.

Submissions (4):

Myriad Genetics, Inc.
Classification: Benign for Colorectal cancer, susceptibility to, 1. Last evaluated: 2026-04-22. Review status: criteria provided, single submitter. Criteria: Myriad Autosomal Dominant, Autosomal Recessive and X-Linked Classification Criteria (2023). Collection method: clinical testing. Allele origin: unknown.
Comment: This variant is considered benign. This variant is a silent/synonymous amino acid change and it is not expected to impact splicing.

Labcorp Genetics (formerly Invitae), Labcorp
Classification: Likely benign. Last evaluated: 2025-08-15. Review status: criteria provided, single submitter. Criteria: Invitae Variant Classification Sherloc (09022015). Collection method: clinical testing. Allele origin: germline.

Blueprint Genetics
Classification: Likely benign. Last evaluated: 2023-05-09. Review status: criteria provided, single submitter. Criteria: ACMG Guidelines, 2015. Collection method: clinical testing. Allele origin: germline.

Ambry Genetics
Classification: Likely benign. Last evaluated: 2017-09-25. Review status: criteria provided, single submitter. Criteria: Ambry Variant Classification Scheme 2023. Collection method: clinical testing. Allele origin: germline.

NM_024642.5(GALNT12):c.60G>A (p.Ala20=)

Genes: GALNT12 (polypeptide N-acetylgalactosaminyltransferase 12; plus strand), LOC130002222 (ATAC-STARR-seq lymphoblastoid silent region 20123; plus strand). Cytogenetic location: 9q22.33.
Variant type: single nucleotide variant.
Coding change: c.60G>A on transcript NM_024642.5 (MANE Select); coding-DNA position 60, G replaced by A.
Protein change: p.Ala20=; no amino-acid change (alanine 20 retained).
Molecular consequence: synonymous variant.
Genome position (GRCh38, 1-based): chr9:98,807,758, G>A. VCF-style: chr9-98807758-G-A. GRCh37 (hg19) VCF-style: chr9-101570040-G-A.
Identifiers: ClinVar variation 1751607 (VCV001751607.6), dbSNP rs1414017068, ClinGen allele CA466423689.